The following is an entry in ClinVar:

NM_015338.6(ASXL1):c.2158G>A (p.Asp720Asn)

Gene: ASXL1 (ASXL transcriptional regulator 1; plus strand). Cytogenetic location: 20q11.21.
Variant type: single nucleotide variant.
Coding change: c.2158G>A on transcript NM_015338.6 (MANE Select); coding-DNA position 2158, G replaced by A.
Protein change: p.Asp720Asn; replaces aspartic acid 720 with asparagine.
Molecular consequence: missense variant.
Genome position (GRCh38, 1-based): chr20:32,434,870, G>A. VCF-style: chr20-32434870-G-A. GRCh37 (hg19) VCF-style: chr20-31022673-G-A.
Other names: c.1975G>A, p.Asp659Asn (NM_001363734.1); short protein forms D720N, D659N.
Identifiers: ClinVar variation 4843643 (VCV004843643.1).
Genomic context (GRCh38, chr20:32,434,870, plus strand): 5'-TATCCTCTAAATGGGGAGCATACCCAGGCCGGAACTGCCATGTCCAGAGCTAGGAGAGAG[G>A]ACCTGCCTTCTCTGAGAAAGGAGGAAAGCTGCCTACTACAGAGGGCTACAGTTGGACTCA-3'
Protein context (NP_056153.2, residues 710-730): GTAMSRARRE[Asp720Asn]LPSLRKEESC

ClinVar aggregate classification (germline): Uncertain significance (1 of 4 stars; one submission).

Conditions:
Inborn genetic diseases. Identifiers: MedGen C0950123, MeSH D030342.

Submission:

Ambry Genetics
Classification: Uncertain significance for Inborn genetic diseases. Last evaluated: 2025-12-21. Review status: criteria provided, single submitter. Criteria: Ambry Variant Classification Scheme 2023. Collection method: clinical testing. Allele origin: germline.
Comment: The p.D720N variant (also known as c.2158G>A), located in coding exon 13 of the ASXL1 gene, results from a G to A substitution at nucleotide position 2158. The aspartic acid at codon 720 is replaced by asparagine, an amino acid with highly similar properties. This amino acid position is conserved. In addition, this alteration is predicted to be tolerated by in silico analysis. Based on the available evidence, the clinical significance of this variant remains unclear.